The following is an entry in ClinVar:

NM_006766.5(KAT6A):c.2842C>G (p.Arg948Gly)

Gene: KAT6A (lysine acetyltransferase 6A; minus strand). Cytogenetic location: 8p11.21.
Variant type: single nucleotide variant.
Coding change: c.2842C>G on transcript NM_006766.5 (MANE Select); coding-DNA position 2842, C replaced by G.
Protein change: p.Arg948Gly; replaces arginine 948 with glycine.
Molecular consequence: missense variant.
Genome position (GRCh38, 1-based): chr8:41,941,039, G>C on the plus strand (C>G on the coding strand, the complement: KAT6A is on the minus strand). VCF-style: chr8-41941039-G-C. GRCh37 (hg19) VCF-style: chr8-41798557-G-C.
Other names: short protein forms R948G.
Identifiers: ClinVar variation 4747374 (VCV004747374.1).

ClinVar aggregate classification (germline): Uncertain significance (1 of 4 stars; one submission).

Submission:

Labcorp Genetics (formerly Invitae), Labcorp
Classification: Uncertain significance. Last evaluated: 2025-03-18. Review status: criteria provided, single submitter. Criteria: Invitae Variant Classification Sherloc (09022015). Collection method: clinical testing. Allele origin: germline.
Comment: This sequence change replaces arginine, which is basic and polar, with glycine, which is neutral and non-polar, at codon 948 of the KAT6A protein (p.Arg948Gly). This variant is not present in population databases (gnomAD no frequency). This variant has not been reported in the literature in individuals affected with KAT6A-related conditions. Invitae Evidence Modeling of protein sequence and biophysical properties (such as structural, functional, and spatial information, amino acid conservation, physicochemical variation, residue mobility, and thermodynamic stability) indicates that this missense variant is not expected to disrupt KAT6A protein function with a negative predictive value of 95%. In summary, the available evidence is currently insufficient to determine the role of this variant in disease. Therefore, it has been classified as a Variant of Uncertain Significance.